The following is an entry in ClinVar:

ClinVar aggregate classification (germline): Uncertain significance (1 of 4 stars; one submission).

Submission:

Ambry Genetics
Classification: Uncertain significance. Last evaluated: 2026-05-18. Review status: criteria provided, single submitter. Criteria: Ambry Variant Classification Scheme 2023. Collection method: clinical testing. Allele origin: germline.
Comment: The p.E522D variant (also known as c.1566G>C), located in coding exon 7 of the WNK2 gene, results from a G to C substitution at nucleotide position 1566. The glutamic acid at codon 522 is replaced by aspartic acid, an amino acid with highly similar properties. This amino acid position is conserved. In addition, the in silico prediction for this alteration is inconclusive. Based on the available evidence, the clinical significance of this variant remains unclear.

NM_006648.4(WNK2):c.1566G>C (p.Glu522Asp)

Gene: WNK2 (WNK lysine deficient protein kinase 2; plus strand). Cytogenetic location: 9q22.31.
Variant type: single nucleotide variant.
Coding change: c.1566G>C on transcript NM_006648.4 (MANE Select); coding-DNA position 1566, G replaced by C.
Protein change: p.Glu522Asp; replaces glutamic acid 522 with aspartic acid.
Molecular consequence: missense variant.
Genome position (GRCh38, 1-based): chr9:93,247,566, G>C. VCF-style: chr9-93247566-G-C. GRCh37 (hg19) VCF-style: chr9-96009848-G-C.
Other names: c.1566G>C, p.Glu522Asp (NM_001282394.3); short protein forms E522D.
Identifiers: ClinVar variation 4866682 (VCV004866682.1).